The following is an entry in ClinVar:

ClinVar aggregate classification (germline): Pathogenic (1 of 4 stars; one submission).

Conditions:
Alstrom syndrome (ALMS). Identifiers: Orphanet 64, MedGen C0268425, MONDO:0008763, OMIM 203800.

Submission:

Labcorp Genetics (formerly Invitae), Labcorp
Classification: Pathogenic for Alstrom syndrome. Last evaluated: 2025-09-15. Review status: criteria provided, single submitter. Criteria: Invitae Variant Classification Sherloc (09022015). Collection method: clinical testing. Allele origin: germline.
Comment: This sequence change creates a premature translational stop signal (p.Leu1774*) in the ALMS1 gene. It is expected to result in an absent or disrupted protein product. Loss-of-function variants in ALMS1 are known to be pathogenic (PMID: 17594715). This variant is not present in population databases (gnomAD no frequency). This variant has not been reported in the literature in individuals affected with ALMS1-related conditions. ClinVar contains an entry for this variant (Variation ID: 1459363). For these reasons, this variant has been classified as Pathogenic.

Literature cited by the submitters: PubMed 17594715.

NM_001378454.1(ALMS1):c.5318T>A (p.Leu1773Ter)

Gene: ALMS1 (ALMS1 centrosome and basal body associated protein; plus strand). Cytogenetic location: 2p13.1.
Variant type: single nucleotide variant.
Coding change: c.5318T>A on transcript NM_001378454.1 (MANE Select); coding-DNA position 5318, T replaced by A.
Protein change: p.Leu1773Ter; replaces leucine 1773 with a stop codon.
Molecular consequence: nonsense.
Genome position (GRCh38, 1-based): chr2:73,451,845, T>A. VCF-style: chr2-73451845-T-A. GRCh37 (hg19) VCF-style: chr2-73678972-T-A.
Other names: c.5321T>A, p.Leu1774Ter (NM_015120.4); short protein forms L1773*, L1774*.
Identifiers: ClinVar variation 1459363 (VCV001459363.6), dbSNP rs2103786025, ClinGen allele CA347280946.